The following is an entry in ClinVar:

ClinVar aggregate classification (germline): Conflicting classifications of pathogenicity. Review status: criteria provided, conflicting classifications (1 of 4 stars). 3 submissions from 3 submitters: Uncertain significance (2); Likely benign (1). Last evaluated 2026-05-07.

Conditions:
Inborn genetic diseases. Identifiers: MedGen C0950123, MeSH D030342.

Allele frequency attached by ClinVar (database versions not stated): TOPMed 0.00002; gnomAD 0.00001; ExAC 0.00002; gnomAD exomes 0.00001.
gnomAD v4.1: 10 of 1,613,410 alleles (0.00062%); highest among the groups gnomAD compares: Admixed American, 0.017%; no homozygotes.

Submissions (3):

Women's Health and Genetics/Laboratory Corporation of America, LabCorp
Classification: Uncertain significance. Last evaluated: 2026-05-07. Review status: criteria provided, single submitter. Criteria: LabCorp Variant Classification Summary - May 2015. Collection method: clinical testing. Allele origin: germline.
Comment: Variant summary: ATP1A1 c.256A>G (p.Thr86Ala) results in a non-conservative amino acid change in the encoded protein sequence. Algorithms developed to predict the effect of missense changes on protein structure and function all suggest that this variant is likely to be disruptive. The variant allele was found at a frequency of 3.6e-05 in 251426 control chromosomes. The available data on variant occurrences in the general population are insufficient to allow any conclusion about variant significance. To our knowledge, no occurrence of c.256A>G in individuals affected with ATP1A1-related conditions and no experimental evidence demonstrating its impact on protein function have been reported. ClinVar contains an entry for this variant (Variation ID: 1915220). Based on the evidence outlined above, the variant was classified as uncertain significance.

Labcorp Genetics (formerly Invitae), Labcorp
Classification: Uncertain significance. Last evaluated: 2025-12-19. Review status: criteria provided, single submitter. Criteria: Invitae Variant Classification Sherloc (09022015). Collection method: clinical testing. Allele origin: germline.
Comment: This sequence change replaces threonine, which is neutral and polar, with alanine, which is neutral and non-polar, at codon 86 of the ATP1A1 protein (p.Thr86Ala). This variant is present in population databases (rs780391814, gnomAD 0.03%). This variant has not been reported in the literature in individuals affected with ATP1A1-related conditions. ClinVar contains an entry for this variant (Variation ID: 1915220). Invitae Evidence Modeling of protein sequence and biophysical properties (such as structural, functional, and spatial information, amino acid conservation, physicochemical variation, residue mobility, and thermodynamic stability) has been performed for this missense variant. However, the output from this modeling did not meet the statistical confidence thresholds required to predict the impact of this variant on ATP1A1 protein function. In summary, the available evidence is currently insufficient to determine the role of this variant in disease. Therefore, it has been classified as a Variant of Uncertain Significance.

Ambry Genetics
Classification: Likely benign for Inborn genetic diseases. Last evaluated: 2025-03-05. Review status: criteria provided, single submitter. Criteria: Ambry Variant Classification Scheme 2023. Collection method: clinical testing. Allele origin: germline.

NM_000701.8(ATP1A1):c.256A>G (p.Thr86Ala)

Gene: ATP1A1 (ATPase Na+/K+ transporting subunit alpha 1; plus strand). Cytogenetic location: 1p13.1.
Variant type: single nucleotide variant.
Coding change: c.256A>G on transcript NM_000701.8 (MANE Select); coding-DNA position 256, A replaced by G.
Protein change: p.Thr86Ala; replaces threonine 86 with alanine.
Molecular consequence: missense variant.
Genome position (GRCh38, 1-based): chr1:116,387,360, A>G. VCF-style: chr1-116387360-A-G. GRCh37 (hg19) VCF-style: chr1-116929982-A-G.
Other names: c.256A>G, p.Thr86Ala (NM_001160233.2); c.163A>G, p.Thr55Ala (NM_001160234.2); c.256A>G (NM_001160233.1); short protein forms T86A, T55A.
Identifiers: ClinVar variation 1915220 (VCV001915220.7), dbSNP rs780391814, ClinGen allele CA1025078.